The following is an entry in ClinVar:

NM_000038.6(APC):c.349T>A (p.Ser117Thr)

Gene: APC (APC regulator of WNT signaling pathway; plus strand). Cytogenetic location: 5q22.2.
Variant type: single nucleotide variant.
Coding change: c.349T>A on transcript NM_000038.6 (MANE Select); coding-DNA position 349, T replaced by A.
Protein change: p.Ser117Thr; replaces serine 117 with threonine.
Molecular consequence: missense variant. On other transcripts: 5 prime UTR variant (4), non-coding transcript variant (2).
Genome position (GRCh38, 1-based): chr5:112,767,317, T>A. VCF-style: chr5-112767317-T-A. GRCh37 (hg19) VCF-style: chr5-112103014-T-A.
Other names: c.349T>A, p.Ser117Thr (NM_001127510.3, NM_001354895.2, NM_001354896.2 and 16 more transcripts); c.379T>A, p.Ser127Thr (NM_001127511.3, NM_001354897.2, NM_001354902.2 and 1 more transcripts); c.274T>A, p.Ser92Thr (NM_001354898.2, NM_001354904.2, NM_001407451.1); c.172T>A, p.Ser58Thr (NM_001354900.2, NM_001354901.2, NM_001354905.2 and 1 more transcripts); c.-687T>A (NM_001354906.2, NM_001407470.1, NM_001407471.1 and 1 more transcripts); short protein forms S117T, S127T, S58T, S92T.
Identifiers: ClinVar variation 3071555 (VCV003071555.1), dbSNP rs2149789127, ClinGen allele CA16022083.

ClinVar aggregate classification (germline): Uncertain significance (1 of 4 stars; one submission).

Conditions:
Classic or attenuated familial adenomatous polyposis. Identifiers: MedGen CN372698, MONDO:0021057.

Submission:

All of Us Research Program, National Institutes of Health
Classification: Uncertain significance for Classic or attenuated familial adenomatous polyposis. Last evaluated: 2023-06-08. Review status: criteria provided, single submitter. Criteria: ACMG Guidelines, 2015. Collection method: clinical testing. Allele origin: germline. Inheritance: Autosomal dominant inheritance. Observed: 1 variant allele, 1 heterozygote.
Comment: This missense variant replaces serine with threonine at codon 117 of the APC protein. Computational prediction suggests that this variant may not impact protein structure and function (internally defined REVEL score threshold <= 0.5, PMID: 27666373). To our knowledge, functional studies have not been reported for this variant. This variant has not been reported in individuals affected with APC-related disorders in the literature. This variant has not been identified in the general population by the Genome Aggregation Database (gnomAD). The available evidence is insufficient to determine the role of this variant in disease conclusively. Therefore, this variant is classified as a Variant of Uncertain Significance.

This study involves interpretation of variants in research participants for the purpose of population health screening. Participant phenotype was not available at the time of variant classification. Additional details can be found in publication PMID: 35346344, PMCID: PMC8962531